The following is an entry in ClinVar:

NM_001256789.3(CACNA1F):c.2673+3G>A

Gene: CACNA1F (calcium voltage-gated channel subunit alpha1 F; minus strand). Cytogenetic location: Xp11.23.
Variant type: single nucleotide variant.
Coding change: c.2673+3G>A on transcript NM_001256789.3 (MANE Select); 3 bases into the intron after coding-DNA position 2673, G replaced by A.
Molecular consequence: intron variant.
Genome position (GRCh38, 1-based): chrX:49,219,318, C>T on the plus strand (G>A on the coding strand, the complement: CACNA1F is on the minus strand). VCF-style: chrX-49219318-C-T. GRCh37 (hg19) VCF-style: chrX-49075777-C-T.
Other names: c.2706+3G>A (NM_005183.4); c.2511+3G>A (NM_001256790.3).
Identifiers: ClinVar variation 166778 (VCV000166778.18), dbSNP rs41312124, ClinGen allele CA179825.
Genomic context (GRCh38, chrX:49,219,318, plus strand): 5'-TGTGCCCACTAGGACACCCCTGGGAGTGTCCCCTCAGCTCCTAGCTCCCAGCCAAAGGCT[C>T]ACATGGTTGCGGAAGGAGTGGGCTCGGATGGGGTCCTCAGCGGCCAGGGACACACTGCTG-3'

ClinVar aggregate classification (germline): Benign/Likely benign. Review status: criteria provided, multiple submitters, no conflicts (2 of 4 stars). 9 submissions from 7 submitters: Benign (6); Likely benign (3). Last evaluated 2026-02-01.

Conditions:
Congenital stationary night blindness 2A (CSNB2A). Also called: CSNB, INCOMPLETE, X-LINKED; Night blindness, congenital stationary (incomplete), 2A, X-linked; NIGHT BLINDNESS, CONGENITAL STATIONARY, TYPE 2; CACNA1F-Related X-Linked Congenital Stationary Night Blindness. Identifiers: Orphanet 215, MedGen C1848172, MONDO:0010241, OMIM 300071.
X-linked cone-rod dystrophy 3 (CORDX3). Identifiers: Orphanet 1872, MedGen C1845407, MONDO:0010335, OMIM 300476.
Aland island eye disease (AIED). Also called: Forsius Eriksson type ocular albinism. Identifiers: Orphanet 178333, MedGen C0268505, MONDO:0010371, OMIM 300600.

Allele frequency attached by ClinVar (database versions not stated): 1000 Genomes Project 0.01881; 1000 Genomes Project 30x 0.02019; TOPMed 0.03584; gnomAD 0.04034 and 0.04106; gnomAD exomes 0.04308; ESP Exome Variant Server 0.04365; ExAC 0.05281.
gnomAD v4.1: 66,591 of 1,205,572 alleles (5.5%); highest among the groups gnomAD compares: Non-Finnish European, 6.3%; 1,438 homozygotes.

Submissions (9):

Labcorp Genetics (formerly Invitae), Labcorp
Classification: Benign. Last evaluated: 2026-02-01. Review status: criteria provided, single submitter. Criteria: Invitae Variant Classification Sherloc (09022015). Collection method: clinical testing. Allele origin: germline.

Blueprint Genetics
Classification: Likely benign. Last evaluated: 2024-11-28. Review status: criteria provided, single submitter. Criteria: ACMG Guidelines, 2015. Collection method: clinical testing. Allele origin: germline.

Genome-Nilou Lab
Classification: Benign for Aland island eye disease. Last evaluated: 2021-07-14. Review status: criteria provided, single submitter. Criteria: ACMG Guidelines, 2015. Collection method: clinical testing. Allele origin: germline. Affected: no.

Genome-Nilou Lab
Classification: Benign for X-linked cone-rod dystrophy 3. Last evaluated: 2021-07-14. Review status: criteria provided, single submitter. Criteria: ACMG Guidelines, 2015. Collection method: clinical testing. Allele origin: germline. Affected: no.

Genome-Nilou Lab
Classification: Benign for Congenital stationary night blindness 2A. Last evaluated: 2021-07-14. Review status: criteria provided, single submitter. Criteria: ACMG Guidelines, 2015. Collection method: clinical testing. Allele origin: germline. Affected: no.

GeneDx
Classification: Benign. Last evaluated: 2018-05-04. Review status: criteria provided, single submitter. Criteria: GeneDx Variant Classification (06012015). Collection method: clinical testing. Allele origin: germline. Affected: yes.
Comment: This variant is considered likely benign or benign based on one or more of the following criteria: it is a conservative change, it occurs at a poorly conserved position in the protein, it is predicted to be benign by multiple in silico algorithms, and/or has population frequency not consistent with disease.

Eurofins Ntd Llc (ga)
Classification: Benign. Last evaluated: 2013-11-26. Review status: criteria provided, single submitter. Criteria: EGL Classification Definitions 2015. Collection method: clinical testing. Allele origin: germline. Observed: 2 variant alleles, 1 heterozygote, 1 hemizygote.

Breakthrough Genomics
Classification: Likely benign. Review status: criteria provided, single submitter. Criteria: ACMG Guidelines, 2015. Collection method: not provided. Allele origin: germline. Inheritance: X-linked inheritance. Affected: yes.

PreventionGenetics, part of Exact Sciences
Classification: Likely benign. Review status: criteria provided, single submitter. Criteria: ACMG Guidelines, 2015. Collection method: clinical testing. Allele origin: germline.